The following is an entry in ClinVar:

NM_000489.6(ATRX):c.3012A>C (p.Lys1004Asn)

Gene: ATRX (ATRX chromatin remodeler; minus strand). Cytogenetic location: Xq21.1.
Variant type: single nucleotide variant.
Coding change: c.3012A>C on transcript NM_000489.6 (MANE Select); coding-DNA position 3012, A replaced by C.
Protein change: p.Lys1004Asn; replaces lysine 1004 with asparagine.
Molecular consequence: missense variant.
Genome position (GRCh38, 1-based): chrX:77,682,244, T>G on the plus strand (A>C on the coding strand, the complement: ATRX is on the minus strand). VCF-style: chrX-77682244-T-G. GRCh37 (hg19) VCF-style: chrX-76937736-T-G.
Other names: c.2898A>C, p.Lys966Asn (NM_138270.5); short protein forms K1004N, K966N.
Identifiers: ClinVar variation 1899271 (VCV001899271.29), dbSNP rs782628658, ClinGen allele CA10458006.

ClinVar aggregate classification (germline): Likely benign. Review status: criteria provided, multiple submitters, no conflicts (2 of 4 stars). 2 submissions from 2 submitters: Likely benign (2). Last evaluated 2025-10-10.

Conditions:
Alpha thalassemia-X-linked intellectual disability syndrome (ATRX). Also called: ATR, NONDELETION TYPE; ATR-X syndrome; Alpha thalassemia mental retardation syndrome, nondeletion type, X-linked; XLMR hypotonic face syndrome; ALPHA-THALASSEMIA/MENTAL RETARDATION SYNDROME, X-LINKED; X-linked alpha-thalassemia-mental retardation syndrome. Identifiers: Orphanet 847, MedGen C1845055, MONDO:0010519, OMIM 301040.

Allele frequency attached by ClinVar (database versions not stated): gnomAD exomes 0.00001; TOPMed 0.00001; ExAC 0.00001; gnomAD 0.00001.
gnomAD v4.1: 7 of 1,204,662 alleles (0.00058%); highest among the groups gnomAD compares: Non-Finnish European, 0.00078%; no homozygotes.

Submissions (2):

Labcorp Genetics (formerly Invitae), Labcorp
Classification: Likely benign for Alpha thalassemia-X-linked intellectual disability syndrome. Last evaluated: 2025-10-10. Review status: criteria provided, single submitter. Criteria: Invitae Variant Classification Sherloc (09022015). Collection method: clinical testing. Allele origin: germline.

CeGaT Center for Human Genetics Tuebingen
Classification: Likely benign. Last evaluated: 2023-09-01. Review status: criteria provided, single submitter. Criteria: CeGaT Center For Human Genetics Tuebingen Variant Classification Criteria Version 2. Collection method: clinical testing. Allele origin: germline. Affected: yes. Observed: 1 variant allele.
Comment: ATRX: BP4